The following is an entry in ClinVar:

NM_003307.4(TRPM2):c.2661C>T (p.Leu887=)

Genes: TRPM2 (transient receptor potential cation channel subfamily M member 2; plus strand), LOC126653395 (CDK7 strongly-dependent group 2 enhancer GRCh37_chr21:45825427-45826626; plus strand). Cytogenetic location: 21q22.3.
Variant type: single nucleotide variant.
Coding change: c.2661C>T on transcript NM_003307.4 (MANE Select); coding-DNA position 2661, C replaced by T.
Protein change: p.Leu887=; no amino-acid change (leucine 887 retained).
Molecular consequence: synonymous variant. On other transcripts: non-coding transcript variant (1).
Genome position (GRCh38, 1-based): chr21:44,405,908, C>T. VCF-style: chr21-44405908-C-T. GRCh37 (hg19) VCF-style: chr21-45825791-C-T.
Other names: c.2661C>T, p.Leu887= (NM_001320350.2, NM_001320351.2).
Identifiers: ClinVar variation 2652749 (VCV002652749.24), dbSNP rs145401700, ClinGen allele CA10055052.
Genomic context (GRCh38, chr21:44,405,908, plus strand): 5'-TCTGGGGGCTGCTGTGAGCAGGTGGCTGAGATGTGTGTGCTTCTGCCCGGCGGCCAGGCT[C>T]ATCCCGGCGACGCTGTACCCCGGGCGCGTCATCCTCTCTCTGGACTTCATCCTGTTCTGC-3'
Protein context (NP_003298.2, residues 877-897): LLFVAGLTCR[Leu887=]IPATLYPGRV

ClinVar aggregate classification (germline): Likely benign (1 of 4 stars; one submission).

Allele frequency attached by ClinVar (database versions not stated): TOPMed 0.00007; ESP Exome Variant Server 0.00008; gnomAD 0.00011; gnomAD exomes 0.00011; ExAC 0.00014.
gnomAD v4.1: 180 of 1,602,376 alleles (0.011%); highest among the groups gnomAD compares: Non-Finnish European, 0.014%; no homozygotes.

Submission:

CeGaT Center for Human Genetics Tuebingen
Classification: Likely benign. Last evaluated: 2022-12-01. Review status: criteria provided, single submitter. Criteria: CeGaT Center For Human Genetics Tuebingen Variant Classification Criteria Version 2. Collection method: clinical testing. Allele origin: germline. Affected: yes. Observed: 1 variant allele.
Comment: TRPM2: BP4, BP7